The following is an entry in ClinVar:

NM_024577.4(SH3TC2):c.1915G>A (p.Ala639Thr)

Gene: SH3TC2 (SH3 domain and tetratricopeptide repeats 2; minus strand). Cytogenetic location: 5q32.
Variant type: single nucleotide variant.
Coding change: c.1915G>A on transcript NM_024577.4 (MANE Select); coding-DNA position 1915, G replaced by A.
Protein change: p.Ala639Thr; replaces alanine 639 with threonine.
Molecular consequence: missense variant.
Genome position (GRCh38, 1-based): chr5:149,027,817, C>T on the plus strand (G>A on the coding strand, the complement: SH3TC2 is on the minus strand). VCF-style: chr5-149027817-C-T. GRCh37 (hg19) VCF-style: chr5-148407380-C-T.
Other names: short protein forms A639T.
Identifiers: ClinVar variation 1506792 (VCV001506792.3), dbSNP rs781671812, ClinGen allele CA3499095.
Genomic context (GRCh38, chr5:149,027,817, plus strand): 5'-GGCGCTCGGCAAAGGGCAGGACCTCCTCGTGCCGGCCTAGGCTCAGGAGCAAGCGGATGG[C>T]CAGAAAGCAGGCCCTGGCCTCCAGCGGGCTGCTGCCCACCACAATCCCCTGGCGCAGCAC-3'
Protein context (NP_078853.2, residues 629-649): SPLEARACFL[Ala639Thr]IRLLLSLGRH

ClinVar aggregate classification (germline): Uncertain significance (1 of 4 stars; one submission).

Conditions:
Charcot-Marie-Tooth disease type 4. Also called: Charcot-Marie-Tooth, Type 4; Charcot-Marie-Tooth disease, type IV. Identifiers: Orphanet 64749, MedGen C4082197, MONDO:0018995.

Allele frequency attached by ClinVar (database versions not stated): gnomAD exomes below 0.00001; TOPMed below 0.00001; ExAC 0.00001; gnomAD 0.00001.
gnomAD v4.1: 4 of 1,613,756 alleles (0.00025%); highest among the groups gnomAD compares: Non-Finnish European, 0.00025%; no homozygotes.

Submission:

Labcorp Genetics (formerly Invitae), Labcorp
Classification: Uncertain significance for Charcot-Marie-Tooth disease type 4. Last evaluated: 2021-11-11. Review status: criteria provided, single submitter. Criteria: Invitae Variant Classification Sherloc (09022015). Collection method: clinical testing. Allele origin: germline.
Comment: This sequence change replaces alanine, which is neutral and non-polar, with threonine, which is neutral and polar, at codon 639 of the SH3TC2 protein (p.Ala639Thr). The frequency data for this variant in the population databases is considered unreliable, as metrics indicate poor data quality at this position in the gnomAD database. This variant has not been reported in the literature in individuals affected with SH3TC2-related conditions. Advanced modeling of protein sequence and biophysical properties (such as structural, functional, and spatial information, amino acid conservation, physicochemical variation, residue mobility, and thermodynamic stability) performed at Invitae indicates that this missense variant is not expected to disrupt SH3TC2 protein function. In summary, the available evidence is currently insufficient to determine the role of this variant in disease. Therefore, it has been classified as a Variant of Uncertain Significance.